The following is an entry in ClinVar:

NM_000384.3(APOB):c.8173A>C (p.Thr2725Pro)

Gene: APOB (apolipoprotein B; minus strand). Cytogenetic location: 2p24.1.
Variant type: single nucleotide variant.
Coding change: c.8173A>C on transcript NM_000384.3 (MANE Select); coding-DNA position 8173, A replaced by C.
Protein change: p.Thr2725Pro; replaces threonine 2725 with proline.
Molecular consequence: missense variant.
Genome position (GRCh38, 1-based): chr2:21,008,695, T>G on the plus strand (A>C on the coding strand, the complement: APOB is on the minus strand). VCF-style: chr2-21008695-T-G. GRCh37 (hg19) VCF-style: chr2-21231567-T-G.
Other names: short protein forms T2725P.
Identifiers: ClinVar variation 922583 (VCV000922583.7), dbSNP rs201461940, ClinGen allele CA065251.
Genomic context (GRCh38, chr2:21,008,695, plus strand): 5'-GGGGAAGCTGGAATTCTGGTATGTGAAGGTCAGGAACTTGAAAATCATTAAGGTTGAGAG[T>G]TGGGATTATGAATTCTGGAATTGCGATTTCTGGTAAACGGAAGTCTGGCAGGGTGATTCT-3'
Protein context (NP_000375.3, residues 2715-2735): EIAIPEFIIP[Thr2725Pro]LNLNDFQVPD

ClinVar aggregate classification (germline): Conflicting classifications of pathogenicity. Review status: criteria provided, conflicting classifications (1 of 4 stars). 2 submissions from 2 submitters: Uncertain significance (1); Benign (1). Last evaluated 2025-01-12.

Conditions:
Familial hypobetalipoproteinemia 1. Also called: Hypobetalipoproteinemia, normotriglyceridemic; Acanthocytosis with hypobetalipoproteinemia; APOB-Related Familial Hypobetalipoproteinemia. Identifiers: MedGen C4551990, MONDO:0014252, OMIM 615558.
Hypercholesterolemia, autosomal dominant, type B (FHCL2). Also called: Familial Hypercholesterolemia Type B; HYPERCHOLESTEROLEMIA, FAMILIAL, DUE TO LIGAND-DEFECTIVE APOLIPOPROTEIN B; Familial hypercholesterolemia 2; APOB-Related Familial Hypercholesterolemia, Autosomal Dominant; APOLIPOPROTEIN B-100, FAMILIAL DEFECTIVE; APOLIPOPROTEIN B-100, FAMILIAL LIGAND-DEFECTIVE. Identifiers: MedGen C1704417, MONDO:0007751, OMIM 144010.
Cardiovascular phenotype. Identifiers: MedGen CN230736.

Allele frequency attached by ClinVar (database versions not stated): gnomAD exomes 0.00006 and 0.00014; ExAC 0.00007; gnomAD 0.00011 and 0.00012; 1000 Genomes Project 30x 0.00016; 1000 Genomes Project 0.00020.
gnomAD v4.1: 102 of 1,613,888 alleles (0.0063%); highest among the groups gnomAD compares: Non-Finnish European, 0.00093%; 1 homozygote.

Submissions (2):

Labcorp Genetics (formerly Invitae), Labcorp
Classification: Benign for Familial hypobetalipoproteinemia 1; Hypercholesterolemia, autosomal dominant, type B. Last evaluated: 2025-01-12. Review status: criteria provided, single submitter. Criteria: Invitae Variant Classification Sherloc (09022015). Collection method: clinical testing. Allele origin: germline.

Ambry Genetics
Classification: Uncertain significance for Cardiovascular phenotype. Last evaluated: 2021-06-23. Review status: criteria provided, single submitter. Criteria: Ambry Variant Classification Scheme 2023. Collection method: clinical testing. Allele origin: germline.
Comment: The p.T2725P variant (also known as c.8173A>C), located in coding exon 26 of the APOB gene, results from an A to C substitution at nucleotide position 8173. The threonine at codon 2725 is replaced by proline, an amino acid with highly similar properties. This amino acid position is conserved. In addition, this alteration is predicted to be tolerated by in silico analysis. Since supporting evidence is limited at this time, the clinical significance of this alteration remains unclear.